The following is an entry in ClinVar:

ClinVar aggregate classification (germline): Likely pathogenic (1 of 4 stars; one submission).

Conditions:
LAMA2-related muscular dystrophy (LAMA2-RD). Also called: Laminin alpha 2-related dystrophy. Identifiers: MedGen C5679788, MONDO:0100228.

Submission:

Labcorp Genetics (formerly Invitae), Labcorp
Classification: Likely pathogenic for LAMA2-related muscular dystrophy. Last evaluated: 2025-08-18. Review status: criteria provided, single submitter. Criteria: Invitae Variant Classification Sherloc (09022015). Collection method: clinical testing. Allele origin: germline.
Comment: This sequence change falls in intron 6 of the LAMA2 gene. It does not directly change the encoded amino acid sequence of the LAMA2 protein. This variant is not present in population databases (gnomAD no frequency). This variant has been observed in individual(s) with clinical features of LAMA2-related muscular dystrophy (PMID: 32528171; internal data). In at least one individual the data is consistent with being in trans (on the opposite chromosome) from a pathogenic variant. ClinVar contains an entry for this variant (Variation ID: 758294). Algorithms developed to predict the effect of sequence changes on RNA splicing suggest that this variant may disrupt the consensus splice site. In summary, the currently available evidence indicates that the variant is pathogenic, but additional data are needed to prove that conclusively. Therefore, this variant has been classified as Likely Pathogenic.

Literature cited by the submitters: PubMed 32528171.

NM_000426.4(LAMA2):c.909+7A>G

Gene: LAMA2 (laminin subunit alpha 2; plus strand). Cytogenetic location: 6q22.33.
Variant type: single nucleotide variant.
Coding change: c.909+7A>G on transcript NM_000426.4 (MANE Select); 7 bases into the intron after coding-DNA position 909, A replaced by G.
Molecular consequence: intron variant.
Genome position (GRCh38, 1-based): chr6:129,147,055, A>G. VCF-style: chr6-129147055-A-G. GRCh37 (hg19) VCF-style: chr6-129468200-A-G.
Other names: c.909+7A>G (NM_001079823.2).
Identifiers: ClinVar variation 758294 (VCV000758294.12), dbSNP rs1583133494, ClinGen allele CA915943625.